The following is an entry in ClinVar:

NM_001378454.1(ALMS1):c.7762C>T (p.Arg2588Trp)

Gene: ALMS1 (ALMS1 centrosome and basal body associated protein; plus strand). Cytogenetic location: 2p13.1.
Variant type: single nucleotide variant.
Coding change: c.7762C>T on transcript NM_001378454.1 (MANE Select); coding-DNA position 7762, C replaced by T.
Protein change: p.Arg2588Trp; replaces arginine 2588 with tryptophan.
Molecular consequence: missense variant.
Genome position (GRCh38, 1-based): chr2:73,489,721, C>T. VCF-style: chr2-73489721-C-T. GRCh37 (hg19) VCF-style: chr2-73716848-C-T.
Other names: c.7765C>T, p.Arg2589Trp (NM_015120.4); short protein forms R2589W, R2588W.
Identifiers: ClinVar variation 2203100 (VCV002203100.4), dbSNP rs45544032, ClinGen allele CA1714343.
Genomic context (GRCh38, chr2:73,489,721, plus strand): 5'-TGCAAGCCAGAAGCTGTATGTAGTCACATTATTATTGAGAGCCATGAAAAGGGATGTTTC[C>T]GGACTCTAACTTCTGAACATCCACAACTAGATAGACACCCTTGTGCTTTCAGATCTGCTG-3'
Protein context (NP_001365383.1, residues 2578-2598): IIESHEKGCF[Arg2588Trp]TLTSEHPQLD

ClinVar aggregate classification (germline): Uncertain significance. Review status: criteria provided, multiple submitters, no conflicts (2 of 4 stars). 3 submissions from 3 submitters: Uncertain significance (3). Last evaluated 2026-03-30.

Conditions:
Alstrom syndrome (ALMS). Identifiers: Orphanet 64, MedGen C0268425, MONDO:0008763, OMIM 203800.

Allele frequency attached by ClinVar (database versions not stated): gnomAD 0.00001; gnomAD exomes 0.00003; ExAC 0.00006.
gnomAD v4.1: 38 of 1,613,932 alleles (0.0024%); highest among the groups gnomAD compares: South Asian, 0.0088%; 1 homozygote.

Submissions (3):

Women's Health and Genetics/Laboratory Corporation of America, LabCorp
Classification: Uncertain significance. Last evaluated: 2026-03-30. Review status: criteria provided, single submitter. Criteria: LabCorp Variant Classification Summary - May 2015. Collection method: clinical testing. Allele origin: germline.
Comment: Variant summary: ALMS1 c.7759C>T (p.Arg2587Trp), also annotated as refseq c.7765C>T (p.Arg2597Trp), results in a non-conservative amino acid change in the encoded protein sequence. Algorithms developed to predict the effect of missense changes on protein structure and function are either unavailable or do not agree on the potential impact of this missense change. The variant allele was found at a frequency of 3.6e-05 in 249530 control chromosomes. The available data on variant occurrences in the general population are insufficient to allow any conclusion about variant significance. c.7759C>T has been observed in individual(s) affected with Alstrom syndrome, without strong evidence for causality (e.g. Marshall_2007, Pereiro_2011). These reports do not provide unequivocal conclusions about association of the variant with Alstrom syndrome. To our knowledge, no experimental evidence demonstrating an impact on protein function has been reported. The following publications have been ascertained in the context of this evaluation (PMID: 17594715, 21157496). ClinVar contains an entry for this variant (Variation ID: 2203100). Based on the evidence outlined above, the variant was classified as uncertain significance.

Labcorp Genetics (formerly Invitae), Labcorp
Classification: Uncertain significance for Alstrom syndrome. Last evaluated: 2022-07-19. Review status: criteria provided, single submitter. Criteria: Invitae Variant Classification Sherloc (09022015). Collection method: clinical testing. Allele origin: germline.
Comment: This missense change has been observed in individual(s) with Almstrom syndrome (PMID: 17594715). This variant is present in population databases (rs45544032, gnomAD 0.01%). This sequence change replaces arginine, which is basic and polar, with tryptophan, which is neutral and slightly polar, at codon 2589 of the ALMS1 protein (p.Arg2589Trp). Experimental studies and prediction algorithms are not available or were not evaluated, and the functional significance of this variant is currently unknown. In summary, the available evidence is currently insufficient to determine the role of this variant in disease. Therefore, it has been classified as a Variant of Uncertain Significance.

Blueprint Genetics
Classification: Uncertain significance. Last evaluated: 2019-09-06. Review status: criteria provided, single submitter. Criteria: ACMG Guidelines, 2015. Collection method: clinical testing. Allele origin: germline.

Literature cited by the submitters: PubMed 17594715 (cited by Women's Health and Genetics/Laboratory Corporation of America, LabCorp and Labcorp Genetics (formerly Invitae), Labcorp); PubMed 21157496 (cited by Women's Health and Genetics/Laboratory Corporation of America, LabCorp).